The following is an entry in ClinVar:

ClinVar aggregate classification (germline): Uncertain significance (1 of 4 stars; one submission).

Conditions:
Hereditary nonpolyposis colorectal neoplasms. Identifiers: MedGen C0009405, MeSH D003123.

Submission:

Labcorp Genetics (formerly Invitae), Labcorp
Classification: Uncertain significance for Hereditary nonpolyposis colorectal neoplasms. Last evaluated: 2022-09-27. Review status: criteria provided, single submitter. Criteria: Invitae Variant Classification Sherloc (09022015). Collection method: clinical testing. Allele origin: germline.
Comment: This sequence change replaces arginine, which is basic and polar, with leucine, which is neutral and non-polar, at codon 577 of the MSH6 protein (p.Arg577Leu). This variant is not present in population databases (gnomAD no frequency). In summary, the available evidence is currently insufficient to determine the role of this variant in disease. Therefore, it has been classified as a Variant of Uncertain Significance. Advanced modeling of protein sequence and biophysical properties (such as structural, functional, and spatial information, amino acid conservation, physicochemical variation, residue mobility, and thermodynamic stability) performed at Invitae indicates that this missense variant is not expected to disrupt MSH6 protein function. This variant has not been reported in the literature in individuals affected with MSH6-related conditions.

NM_000179.3(MSH6):c.1730G>T (p.Arg577Leu)

Gene: MSH6 (mutS homolog 6; plus strand). Cytogenetic location: 2p16.3.
Variant type: single nucleotide variant.
Coding change: c.1730G>T on transcript NM_000179.3 (MANE Select); coding-DNA position 1730, G replaced by T.
Protein change: p.Arg577Leu; replaces arginine 577 with leucine.
Molecular consequence: missense variant.
Genome position (GRCh38, 1-based): chr2:47,799,713, G>T. VCF-style: chr2-47799713-G-T. GRCh37 (hg19) VCF-style: chr2-48026852-G-T.
Other names: c.1340G>T, p.Arg447Leu (NM_001281492.2); c.824G>T, p.Arg275Leu (NM_001281493.2, NM_001281494.2, NM_001406816.1 and 6 more transcripts); c.1826G>T, p.Arg609Leu (NM_001406795.1, NM_001406802.1); c.1730G>T, p.Arg577Leu (NM_001406796.1, NM_001406798.1, NM_001406800.1 and 3 more transcripts); c.1433G>T, p.Arg478Leu (NM_001406797.1, NM_001406801.1, NM_001406818.1 and 10 more transcripts); c.1205G>T, p.Arg402Leu (NM_001406799.1, NM_001406806.1, NM_001406807.1); c.1652G>T, p.Arg551Leu (NM_001406804.1); c.1736G>T, p.Arg579Leu (NM_001406813.1); and 1 more; short protein forms R275L, R402L, R447L, R478L, R521L, R551L, R577L, R579L.
Identifiers: ClinVar variation 1720508 (VCV001720508.6), dbSNP rs376220212, ClinGen allele CA346748758.